The following is an entry in ClinVar:

NM_018979.4(WNK1):c.1951T>C (p.Ser651Pro)

Gene: WNK1 (WNK lysine deficient protein kinase 1; plus strand). Cytogenetic location: 12p13.33.
Variant type: single nucleotide variant.
Coding change: c.1951T>C on transcript NM_018979.4 (MANE Select); coding-DNA position 1951, T replaced by C.
Protein change: p.Ser651Pro; replaces serine 651 with proline.
Molecular consequence: missense variant.
Genome position (GRCh38, 1-based): chr12:861,343, T>C. VCF-style: chr12-861343-T-C. GRCh37 (hg19) VCF-style: chr12-970509-T-C.
Other names: c.1951T>C, p.Ser651Pro (NM_001184985.2, NM_014823.3, NM_213655.5); short protein forms S651P.
Identifiers: ClinVar variation 843132 (VCV000843132.9), dbSNP rs1004156281, ClinGen allele CA231491370.

ClinVar aggregate classification (germline): Uncertain significance (1 of 4 stars; one submission).

Conditions:
Pseudohypoaldosteronism type 2C (PHA2C). Also called: Pseudohypoaldosteronism Type IIC. Identifiers: Orphanet 757, Orphanet 88940, MedGen C1840391, MONDO:0013778, OMIM 614492.
Neuropathy, hereditary sensory and autonomic, type 2A (HSAN2A). Also called: MORVAN DISEASE; NEUROPATHY, CONGENITAL SENSORY; NEUROPATHY, HEREDITARY SENSORY RADICULAR, AUTOSOMAL RECESSIVE; NEUROPATHY, HEREDITARY SENSORY, TYPE IIA; NEUROPATHY, PROGRESSIVE SENSORY, OF CHILDREN; WNK1-Related HSAN2 (HSAN2A). Identifiers: Orphanet 970, MedGen C2752089, MONDO:0024309, OMIM 201300.

Allele frequency attached by ClinVar (database versions not stated): gnomAD exomes 0.00001.
gnomAD v4.1: 13 of 1,613,854 alleles (0.00081%); highest among the groups gnomAD compares: Non-Finnish European, 0.00093%; no homozygotes.

Submission:

Labcorp Genetics (formerly Invitae), Labcorp
Classification: Uncertain significance for Neuropathy, hereditary sensory and autonomic, type 2A; Pseudohypoaldosteronism type 2C. Last evaluated: 2019-01-03. Review status: criteria provided, single submitter. Criteria: Invitae Variant Classification Sherloc (09022015). Collection method: clinical testing. Allele origin: germline.
Comment: In summary, the available evidence is currently insufficient to determine the role of this variant in disease. Therefore, it has been classified as a Variant of Uncertain Significance. Algorithms developed to predict the effect of missense changes on protein structure and function are either unavailable or do not agree on the potential impact of this missense change (SIFT: "Deleterious"; PolyPhen-2: "Not Available"; Align-GVGD: "Class C65"). This variant has not been reported in the literature in individuals with WNK1-related conditions. This variant is not present in population databases (ExAC no frequency). This sequence change replaces serine with proline at codon 651 of the WNK1 protein (p.Ser651Pro). The serine residue is highly conserved and there is a moderate physicochemical difference between serine and proline.